The following is an entry in ClinVar:

NM_000019.4(ACAT1):c.765_766delinsTA (p.Glu255_Tyr256delinsAspAsn)

Gene: ACAT1 (acetyl-CoA acetyltransferase 1; plus strand). Cytogenetic location: 11q22.3.
Variant type: Indel.
Coding change: c.765_766delinsTA on transcript NM_000019.4 (MANE Select); coding-DNA positions 765 to 766, AT replaced by TA.
Protein change: p.Glu255_Tyr256delinsAspAsn.
Molecular consequence: missense variant. On other transcripts: non-coding transcript variant (2).
Genome position (GRCh38, 1-based): chr11:108,141,639-108,141,640, AT replaced by TA. VCF-style: chr11-108141639-AT-TA. GRCh37 (hg19) VCF-style: chr11-108012366-AT-TA.
Other names: c.765_766delinsTA, p.Glu255_Tyr256delinsAspAsn (NM_001386677.1); c.450_451delinsTA, p.Glu150_Tyr151delinsAspAsn (NM_001386678.1); c.468_469delinsTA, p.Glu156_Tyr157delinsAspAsn (NM_001386679.1); c.495_496delinsTA, p.Glu165_Tyr166delinsAspAsn (NM_001386681.1, NM_001386682.1, NM_001386685.1 and 6 more transcripts).
Identifiers: ClinVar variation 4072637 (VCV004072637.2).

ClinVar aggregate classification (germline): Uncertain significance. Review status: criteria provided, multiple submitters, no conflicts (2 of 4 stars). 2 submissions from 2 submitters: Uncertain significance (2). Last evaluated 2025-07-31.

Conditions:
Deficiency of acetyl-CoA acetyltransferase. Also called: Beta-ketothiolase deficiency; 3-KETOTHIOLASE DEFICIENCY; 3-OXOTHIOLASE DEFICIENCY; MITOCHONDRIAL ACETOACETYL-CoA THIOLASE DEFICIENCY. Identifiers: Orphanet 134, MedGen C1536500, MONDO:0008760, OMIM 203750. Disease mechanism: loss of function.

Submissions (2):

ARUP Laboratories, Molecular Genetics and Genomics, ARUP Laboratories
Classification: Uncertain significance for Deficiency of acetyl-CoA acetyltransferase. Last evaluated: 2025-07-31. Review status: criteria provided, single submitter. Criteria: ARUP Molecular Germline Variant Investigation Process 2024. Collection method: clinical testing. Allele origin: germline.
Comment: The ACAT1 c.765_766delinsTA; p.Glu255_Tyr256delinsAspAsn variant, to our knowledge, is not reported in the medical literature or gene specific databases. However, a c.765A>T; p.Glu255Asp variant has been reported in a patient with acetoacetyl-CoA thiolase deficiency who also carried a nonsense variant in ACAT1 (Paquay 2017). The constituent variants of c.765_766delinsTA, c.765A>T and c.766T>A, are each present on only observed on two alleles in the Genome Aggregation Database (v2.1.1), indicating the c.765_766delinsTA variant is not a common polymorphism. This variant leads to two amino acid substitutions, p.Glu255Asp and p.Tyr256Asn. Computational analyses predict that the p.Glu255Asp variant is deleterious (REVEL: 0.732) and are uncertain whether the p.Tyr256Asn variant is neutral or deleterious (REVEL: 0.67), although the combined effect is unclear. Due to limited information, the clinical significance of the c.765_766delinsTA variant is uncertain at this time. References: Paquay S et al. Mitochondrial acetoacetyl-CoA thiolase deficiency: basal ganglia impairment may occur independently of ketoacidosis. J Inherit Metab Dis. 2017 May;40(3):415-422. PMID: 28255778.

GeneDx
Classification: Uncertain significance. Last evaluated: 2025-01-29. Review status: criteria provided, single submitter. Criteria: GeneDx Variant Classification Process June 2021. Collection method: clinical testing. Allele origin: germline. Affected: yes.
Comment: Not observed at significant frequency in large population cohorts (gnomAD); In silico analysis supports a deleterious effect on protein structure/function; Has not been previously published as pathogenic or benign to our knowledge; This variant is associated with the following publications: (PMID: 28255778)